The following is an entry in ClinVar:

ClinVar aggregate classification (germline): Pathogenic (3 of 4 stars; one submission).

Conditions:
Lynch syndrome. Identifiers: Orphanet 144, MedGen C4552100, MONDO:0005835. Disease mechanism: loss of function.

Submission:

International Society for Gastrointestinal Hereditary Tumours (InSiGHT)
Classification: Pathogenic for Lynch Syndrome. Last evaluated: 2013-09-05. Review status: reviewed by expert panel. Criteria: Guidelines v1.9. Collection method: research. Allele origin: germline.
Comment: Coding sequence variation resulting in a stop codon

Classified with v1.9 guidelines

NM_000179.3(MSH6):c.3984_3985insATCA (p.Ser1329fs)

Gene: MSH6 (mutS homolog 6; plus strand). Cytogenetic location: 2p16.3.
Variant type: Insertion.
Coding change: c.3984_3985insATCA on transcript NM_000179.3 (MANE Select); coding-DNA positions 3984 to 3985, ATCA inserted.
Protein change: p.Ser1329fs; shifts the reading frame from serine 1329.
Molecular consequence: frameshift variant.
Genome position: GRCh38 VCF-style: chr2-47806634-G-GATCA. GRCh37 (hg19) VCF-style: chr2-48033773-G-GATCA.
Other names: c.3594_3595insATCA, p.Ser1199fs (NM_001281492.2); c.3078_3079insATCA, p.Ser1027fs (NM_001281493.2, NM_001281494.2); short protein forms S1027fs, S1199fs, S1329fs.
Identifiers: ClinVar variation 89495 (VCV000089495.2), dbSNP rs267608124, ClinGen allele CA015027.